The following is an entry in ClinVar:

NM_173598.6(KSR2):c.1101CTT[1] (p.Phe369del)

Gene: KSR2 (kinase suppressor of ras 2; minus strand). Cytogenetic location: 12q24.22.
Variant type: Microsatellite.
Coding change: c.1101CTT[1] on transcript NM_173598.6 (MANE Select); one copy of the 3-base unit CTT starting at c.1101; the reference has two copies in a row; one copy, 3 bases deleted.
Protein change: p.Phe369del; deletes phenylalanine 369.
Molecular consequence: inframe deletion.
Genome position (GRCh38, 1-based): chr12:117,667,539-117,667,541, AAG deleted on the plus strand (CTT on the coding strand, the reverse complement: KSR2 is on the minus strand); deleting any 3 consecutive bases within chr12:117,667,539-117,667,544 gives the same sequence; the position shown is the placement nearest the transcript's 3' end. VCF-style (leftmost placement, unchanged base first): chr12-117667538-AAAG-A. GRCh37 (hg19) VCF-style: chr12-118105343-AAAG-A.
Other names: short protein forms F369del.
Identifiers: ClinVar variation 2629186 (VCV002629186.2), dbSNP rs771799705, ClinGen allele CA6816138.

ClinVar aggregate classification (germline): Uncertain significance (0 of 4 stars; one submission).

Conditions:
KSR2-related disorder. Also called: KSR2-related condition.

Submission:

PreventionGenetics, part of Exact Sciences
Classification: Uncertain significance for KSR2-related condition. Last evaluated: 2024-09-23. Review status: no assertion criteria provided. Collection method: clinical testing. Allele origin: germline.
Comment: The KSR2 c.1017_1019delCTT variant is predicted to result in an in-frame deletion (p.Phe340del). To our knowledge, this variant has not been reported in the literature. This variant is reported in 0.017% of alleles in individuals of Latino descent in gnomAD. At this time, the clinical significance of this variant is uncertain due to the absence of conclusive functional and genetic evidence.